The following is an entry in ClinVar:

ClinVar aggregate classification (germline): Conflicting classifications of pathogenicity. Review status: criteria provided, conflicting classifications (1 of 4 stars). 2 submissions from 2 submitters: Uncertain significance (1); Likely benign (1). Last evaluated 2024-04-26.

Allele frequency attached by ClinVar (database versions not stated): gnomAD 0.00001 and 0.00002; TOPMed 0.00002; ExAC 0.00004; gnomAD exomes 0.00004 and 0.00007.
gnomAD v4.1: 106 of 1,613,962 alleles (0.0066%); highest among the groups gnomAD compares: Non-Finnish European, 0.0084%; no homozygotes.

Submissions (2):

Ambry Genetics
Classification: Likely benign. Last evaluated: 2024-04-26. Review status: criteria provided, single submitter. Criteria: Ambry Variant Classification Scheme 2023. Collection method: clinical testing. Allele origin: germline.

Labcorp Genetics (formerly Invitae), Labcorp
Classification: Uncertain significance. Last evaluated: 2021-09-24. Review status: criteria provided, single submitter. Criteria: Invitae Variant Classification Sherloc (09022015). Collection method: clinical testing. Allele origin: germline.
Comment: This sequence change replaces glycine with serine at codon 773 of the FCHO1 protein (p.Gly773Ser). The glycine residue is weakly conserved and there is a small physicochemical difference between glycine and serine. This variant is present in population databases (rs748448687, ExAC 0.008%). This variant has not been reported in the literature in individuals with FCHO1-related conditions. Algorithms developed to predict the effect of missense changes on protein structure and function output the following: SIFT: "Tolerated"; PolyPhen-2: "Benign"; Align-GVGD: "Class C0". The serine amino acid residue is found in multiple mammalian species, suggesting that this missense change does not adversely affect protein function. These predictions have not been confirmed by published functional studies and their clinical significance is uncertain. In summary, the available evidence is currently insufficient to determine the role of this variant in disease. Therefore, it has been classified as a Variant of Uncertain Significance.

NM_015122.3(FCHO1):c.2317G>A (p.Gly773Ser)

Gene: FCHO1 (FCH and mu domain containing endocytic adaptor 1; plus strand). Cytogenetic location: 19p13.11.
Variant type: single nucleotide variant.
Coding change: c.2317G>A on transcript NM_015122.3 (MANE Select); coding-DNA position 2317, G replaced by A.
Protein change: p.Gly773Ser; replaces glycine 773 with serine.
Molecular consequence: missense variant. On other transcripts: non-coding transcript variant (35), intron variant (5).
Genome position (GRCh38, 1-based): chr19:17,784,815, G>A. VCF-style: chr19-17784815-G-A. GRCh37 (hg19) VCF-style: chr19-17895624-G-A.
Other names: c.2317G>A, p.Gly773Ser (NM_001161357.2, NM_001161358.2, NM_001384370.1 and 11 more transcripts); c.2167G>A, p.Gly723Ser (NM_001161359.2, NM_001384384.1, NM_001384385.1 and 1 more transcripts); c.2296G>A, p.Gly766Ser (NM_001384387.1); c.2278G>A, p.Gly760Ser (NM_001384388.1, NM_001384389.1); c.2242G>A, p.Gly748Ser (NM_001384390.1); c.2200G>A, p.Gly734Ser (NM_001384392.1, NM_001384393.1, NM_001384394.1 and 1 more transcripts); c.2041G>A, p.Gly681Ser (NM_001384396.1, NM_001384397.1, NM_001384398.1 and 4 more transcripts); c.1996G>A, p.Gly666Ser (NM_001384403.1); and 6 more; short protein forms G666S, G748S, G734S, G773S, G681S, G723S, G760S, G766S.
Identifiers: ClinVar variation 1355359 (VCV001355359.6), dbSNP rs748448687, ClinGen allele CA9300833.